The following is an entry in ClinVar:

ClinVar aggregate classification (germline): Uncertain significance (1 of 4 stars; one submission).

Conditions:
Cardiomyopathy, familial restrictive, 6. Identifiers: MedGen C5543638, MONDO:0030330, OMIM 619433.

Submission:

Neuberg Centre For Genomic Medicine, NCGM
Classification: Uncertain significance for Cardiomyopathy, familial restrictive, 6. Last evaluated: 2023-05-20. Review status: criteria provided, single submitter. Criteria: ACMG Guidelines, 2015. Collection method: clinical testing. Allele origin: germline. Inheritance: Autosomal recessive inheritance. Affected: yes.
Comment: The missense c.2416A>G (p.Lys806Glu) variant in the KIF20A gene has not been reported previously as a pathogenic variant nor as a benign variant, to our knowledge. This variant is reported with the allele frequency (0.0003%) in the gnomAD Exomes. The amino acid Lysine at position 806 is changed to a Glutamic acid changing protein sequence and it might alter its composition and physico-chemical properties. Multiple lines of computational evidence (Polyphen - Damaging, SIFT – Damaging and MutationTaster - Disease causing) predict a damaging effect on protein structure and function for this variant. The amino acid change p.Lys806Glu in KIF20A is predicted as conserved by GERP++ and PhyloP across 100 vertebrates. For these reasons, this variant has been classified as Uncertain Significance.

NM_005733.3(KIF20A):c.2416A>G (p.Lys806Glu)

Gene: KIF20A (kinesin family member 20A; plus strand). Cytogenetic location: 5q31.2.
Variant type: single nucleotide variant.
Coding change: c.2416A>G on transcript NM_005733.3 (MANE Select); coding-DNA position 2416, A replaced by G.
Protein change: p.Lys806Glu; replaces lysine 806 with glutamic acid.
Molecular consequence: missense variant.
Genome position (GRCh38, 1-based): chr5:138,187,156, A>G. VCF-style: chr5-138187156-A-G. GRCh37 (hg19) VCF-style: chr5-137522845-A-G.
Other names: short protein forms K806E.
Identifiers: ClinVar variation 3367019 (VCV003367019.1).